The following is an entry in ClinVar:

NM_001370658.1(BTD):c.176G>A (p.Arg59His)

Gene: BTD (biotinidase; plus strand). Cytogenetic location: 3p25.1.
Variant type: single nucleotide variant.
Coding change: c.176G>A on transcript NM_001370658.1 (MANE Select); coding-DNA position 176, G replaced by A.
Protein change: p.Arg59His; replaces arginine 59 with histidine.
Molecular consequence: missense variant.
Genome position (GRCh38, 1-based): chr3:15,635,615, G>A. VCF-style: chr3-15635615-G-A. GRCh37 (hg19) VCF-style: chr3-15677122-G-A.
Other names: R79H; c.236G>A, p.Arg79His (NM_000060.4); c.176G>A, p.Arg59His (NM_001281723.4, NM_001281724.3, NM_001281725.3 and 37 more transcripts); short protein forms R59H.
Identifiers: ClinVar variation 38567 (VCV000038567.25), dbSNP rs397514343, ClinGen allele CA278166.

ClinVar aggregate classification (germline): Pathogenic/Likely pathogenic. Review status: criteria provided, multiple submitters, no conflicts (2 of 4 stars). 7 submissions from 7 submitters: Pathogenic (3); Likely pathogenic (3). 1 of the submissions does not count toward it. Last evaluated 2025-12-22.

Conditions:
Biotinidase deficiency. Also called: Biotin deficiency; BTD deficiency; Late-onset biotin-responsive multiple carboxylase deficiency. Identifiers: Orphanet 79241, MedGen C0220754, MONDO:0009665, OMIM 253260.

Allele frequency attached by ClinVar (database versions not stated): ExAC 0.00001; TOPMed 0.00002; gnomAD 0.00001; gnomAD exomes 0.00001 and below 0.00001.
gnomAD v4.1: 18 of 1,614,092 alleles (0.0011%); highest among the groups gnomAD compares: South Asian, 0.0044%; no homozygotes.

Submissions (7):

Natera, Inc.
Classification: Likely pathogenic for Biotinidase deficiency. Last evaluated: 2025-12-22. Review status: criteria provided, single submitter. Criteria: Natera Variant Classification Schema (03/2026). Collection method: clinical testing. Allele origin: germline.
Comment: The c.176G>A variant in BTD is a missense variant predicted to cause substitution of arginine to histidine at amino acid 59. This variant is rare in the general population with a frequency below the threshold expected for the associated phenotype(s). This variant has been observed in one or more individuals affected with the associated recessive disease, as either homozygous or compound heterozygous with a second variant (PMID: 14707518). A different variant at the same position has been determined to be Pathogenic or Likely Pathogenic. Computational prediction algorithms indicate this variant is likely to affect gene or protein function. Given the available evidence, this variant is classified as Likely Pathogenic.

GeneDx
Classification: Likely pathogenic. Last evaluated: 2025-08-26. Review status: criteria provided, single submitter. Criteria: GeneDx Variant Classification Process June 2021. Collection method: clinical testing. Allele origin: germline. Affected: yes.
Comment: Not observed at significant frequency in large population cohorts (gnomAD); In silico analysis supports that this missense variant has a deleterious effect on protein structure/function; Also known as c.236 G>A (79 R>H); This variant is associated with the following publications: (PMID: 39688110, 14707518, 15060693)

Women's Health and Genetics/Laboratory Corporation of America, LabCorp
Classification: Pathogenic for Biotinidase deficiency. Last evaluated: 2025-07-08. Review status: criteria provided, single submitter. Criteria: LabCorp Variant Classification Summary - May 2015. Collection method: clinical testing. Allele origin: germline.
Comment: Variant summary: BTD c.176G>A (p.Arg59His), also reported as NM_000060.3:c.236G>A p.Arg79His, results in a non-conservative amino acid change in the encoded protein sequence. Algorithms developed to predict the effect of missense changes on protein structure and function all suggest that this variant is likely to be disruptive. The variant allele was found at a frequency of 4e-06 in 251394 control chromosomes. c.176G>A has been observed in trans with a null pathogenic frameshift in at least 1 individual(s) affected with Biotinidase Deficiency (Laszlo_2003). Further, a different missense variant at the same codon (c.175C>T, p.Arg59Cys) has been determined to be likely pathogenic/pathogenic by our laboratory, supporting the critical relevance of codon 59 for BTD protein function. At least one publication reports experimental evidence evaluating an impact on protein function. The most pronounced variant effect results in <10% of normal activity in patient sample(s) (Laszlo_2003). ClinVar contains an entry for this variant (Variation ID: 38567). Based on the evidence outlined above, the variant was classified as pathogenic.

Labcorp Genetics (formerly Invitae), Labcorp
Classification: Pathogenic for Biotinidase deficiency. Last evaluated: 2024-08-02. Review status: criteria provided, single submitter. Criteria: Invitae Variant Classification Sherloc (09022015). Collection method: clinical testing. Allele origin: germline.
Comment: This sequence change replaces arginine, which is basic and polar, with histidine, which is basic and polar, at codon 79 of the BTD protein (p.Arg79His). This variant is present in population databases (rs397514343, gnomAD 0.003%). This missense change has been observed in individual(s) with biotinidase deficiency (PMID: 14707518). In at least one individual the data is consistent with being in trans (on the opposite chromosome) from a pathogenic variant. ClinVar contains an entry for this variant (Variation ID: 38567). Advanced modeling of protein sequence and biophysical properties (such as structural, functional, and spatial information, amino acid conservation, physicochemical variation, residue mobility, and thermodynamic stability) performed at Invitae indicates that this missense variant is expected to disrupt BTD protein function with a positive predictive value of 95%. This variant disrupts the p.Arg79 amino acid residue in BTD. Other variant(s) that disrupt this residue have been determined to be pathogenic (PMID: 10801053, 15060693, 27845546, 29359854). This suggests that this residue is clinically significant, and that variants that disrupt this residue are likely to be disease-causing. For these reasons, this variant has been classified as Pathogenic.

Baylor Genetics
Classification: Likely pathogenic for Biotinidase deficiency. Last evaluated: 2023-08-22. Review status: criteria provided, single submitter. Criteria: ACMG Guidelines, 2015. Collection method: clinical testing. Allele origin: unknown.

Suma Genomics
Classification: Pathogenic for Biotinidase deficiency. Review status: criteria provided, single submitter. Criteria: ACMG Guidelines, 2015. Collection method: clinical testing. Allele origin: inherited. Inheritance: Autosomal recessive inheritance. Affected: yes.

Counsyl
Classification: Uncertain significance for Biotinidase deficiency. Last evaluated: 2017-11-14. Review status: no assertion criteria provided. Collection method: clinical testing. Allele origin: unknown. Not counted in ClinVar's aggregate classification.

Literature cited by the submitters: PubMed 14707518 (cited by 4 submitters); PubMed 10801053 (cited by Labcorp Genetics (formerly Invitae), Labcorp); PubMed 15060693 (cited by Labcorp Genetics (formerly Invitae), Labcorp and Counsyl); PubMed 27845546 (cited by Labcorp Genetics (formerly Invitae), Labcorp); PubMed 29359854 (cited by Labcorp Genetics (formerly Invitae), Labcorp); PubMed 17185019 (cited by Counsyl).